The following is an entry in ClinVar:

ClinVar aggregate classification (germline): Uncertain significance (1 of 4 stars; one submission).

Submission:

Labcorp Genetics (formerly Invitae), Labcorp
Classification: Uncertain significance. Last evaluated: 2025-09-27. Review status: criteria provided, single submitter. Criteria: Invitae Variant Classification Sherloc (09022015). Collection method: clinical testing. Allele origin: germline.
Comment: This sequence change replaces isoleucine, which is neutral and non-polar, with leucine, which is neutral and non-polar, at codon 2222 of the MTOR protein (p.Ile2222Leu). This variant is not present in population databases (gnomAD no frequency). This variant has not been reported in the literature in individuals affected with MTOR-related conditions. An algorithm developed to predict the effect of missense changes on protein structure and function (PolyPhen-2) suggests that this variant is likely to be disruptive. In summary, the available evidence is currently insufficient to determine the role of this variant in disease. Therefore, it has been classified as a Variant of Uncertain Significance.

NM_004958.4(MTOR):c.6664A>C (p.Ile2222Leu)

Gene: MTOR (mechanistic target of rapamycin kinase; minus strand). Cytogenetic location: 1p36.22.
Variant type: single nucleotide variant.
Coding change: c.6664A>C on transcript NM_004958.4 (MANE Select); coding-DNA position 6664, A replaced by C.
Protein change: p.Ile2222Leu; replaces isoleucine 2222 with leucine.
Molecular consequence: missense variant.
Genome position (GRCh38, 1-based): chr1:11,122,125, T>G on the plus strand (A>C on the coding strand, the complement: MTOR is on the minus strand). VCF-style: chr1-11122125-T-G. GRCh37 (hg19) VCF-style: chr1-11182182-T-G.
Other names: c.6664A>C, p.Ile2222Leu (NM_001386500.1); c.5416A>C, p.Ile1806Leu (NM_001386501.1); short protein forms I1806L, I2222L.
Identifiers: ClinVar variation 4727918 (VCV004727918.1).
Genomic context (GRCh38, chr1:11,122,125, plus strand): 5'-GGGGAACCCAGCCAATGAGGCCCGAGTTGGTCGATAAAGGGATGACAGCGTATCTCTGGA[T>G]GCTGGCGCCCACAGAAAAGCAGGGTTAGTGTACCGTAAAGAGAGTATACCCTTGAGCAGC-3'
Protein context (NP_004949.1, residues 2212-2232): DPTSLRKNLS[Ile2222Leu]QRYAVIPLST